The following is an entry in ClinVar:

ClinVar aggregate classification (germline): Uncertain significance (3 of 4 stars; one submission).

Conditions:
Glanzmann thrombasthenia. Also called: BLEEDING DISORDER, PLATELET-TYPE, 2; THROMBASTHENIA OF GLANZMANN AND NAEGELI; PLATELET GLYCOPROTEIN IIb-IIIa DEFICIENCY; Thrombasthenia; Glanzmann's thrombasthenia. Identifiers: Orphanet 849, MedGen C0040015, MONDO:0100326.

Allele frequency attached by ClinVar (database versions not stated): gnomAD exomes below 0.00001.

Submission:

ClinGen Platelet Disorders Variant Curation Expert Panel, ClinGen
Classification: Uncertain significance for Glanzmann thrombasthenia. Last evaluated: 2024-06-06. Review status: reviewed by expert panel. Criteria: ClinGen Platelet ACMG Specifications v2-1. Collection method: curation. Allele origin: germline. Inheritance: Autosomal recessive inheritance.
Comment: The ITGB3 missense variant NM_000212.2:c.1261G>A replaces the valine residue with a methionine residue (p.Val421Met) and is absent from control population databases. This variant has been observed in heterozygosity in an individual with a phenotype specific for Glanzmann's thrombasthenia (GT) (GT-09, PMID: 16463284); history of bleeding and impaired aggregation to at least two agonists, but normal or only mildly reduced agglutination with ristocetin (PP4_Moderate). It was observed in heterozygosity in GT-09 (PMID: 16463284) in combination with ITGB3 variant c.428T>G (p.Leu143Trp), classified pathogenic by the PD-EP, confirmation of phasing was not reported (PM3_supporting). The highest population minor allele frequency in gnomAD v4.1.0 is 0.00002666 (2/75032 alleles) in the African/African American population, which is lower than the ClinGen PD VCEP threshold (<0.0001; PM2_Supporting). In silico tools predict the variant is damaging to protein function (REVEL score of 0.738; PP3). In summary, this variant is of uncertain significance and lacks sufficient evidence to be classified as pathogenic or benign for GT. GT-specific criteria applied: PP4_moderate, PP3, PM2_supporting, PM3_supporting.

NM_000212.3(ITGB3):c.1261G>A (p.Val421Met)

Genes: ITGB3 (integrin subunit beta 3; plus strand), LOC110121475 (VISTA enhancer hs2033; plus strand). Cytogenetic location: 17q21.32.
Variant type: single nucleotide variant.
Coding change: c.1261G>A on transcript NM_000212.3 (MANE Select); coding-DNA position 1261, G replaced by A.
Protein change: p.Val421Met; replaces valine 421 with methionine.
Molecular consequence: missense variant.
Genome position (GRCh38, 1-based): chr17:47,292,139, G>A. VCF-style: chr17-47292139-G-A. GRCh37 (hg19) VCF-style: chr17-45369505-G-A.
Other names: short protein forms V421M.
Identifiers: ClinVar variation 1210171 (VCV001210171.2), dbSNP rs2143112328, ClinGen allele CA400028437.
Genomic context (GRCh38, chr17:47,292,139, plus strand): 5'-CAGAGCTGGAGTGTTAACTGGGCCCAACTGTGTCTAAATACAATCTTTCTTTCCATCCAG[G>A]TGAGCTTCAGCATTGAGGCCAAGGTGCGAGGCTGTCCCCAGGAGAAGGAGAAGTCCTTTA-3'
Protein context (NP_000203.2, residues 411-431): SCMGLKIGDT[Val421Met]SFSIEAKVRG